The following is an entry in ClinVar:

NM_014014.5(SNRNP200):c.2961A>G (p.Ile987Met)

Gene: SNRNP200 (small nuclear ribonucleoprotein U5 subunit 200; minus strand). Cytogenetic location: 2q11.2.
Variant type: single nucleotide variant.
Coding change: c.2961A>G on transcript NM_014014.5 (MANE Select); coding-DNA position 2961, A replaced by G.
Protein change: p.Ile987Met; replaces isoleucine 987 with methionine.
Molecular consequence: missense variant.
Genome position (GRCh38, 1-based): chr2:96,289,359, T>C on the plus strand (A>G on the coding strand, the complement: SNRNP200 is on the minus strand). VCF-style: chr2-96289359-T-C. GRCh37 (hg19) VCF-style: chr2-96955097-T-C.
Other names: short protein forms I987M.
Identifiers: ClinVar variation 2848907 (VCV002848907.3), dbSNP rs2467333700, ClinGen allele CA347674455.
Genomic context (GRCh38, chr2:96,289,359, plus strand): 5'-GGGCTTCAGCAGCTGGTTGTAAGTCTGCACTGTATCATTGGTGATGTAGTAGTGGCTGGC[T>C]ATACGGCCCAGTTCTGTCACCTGGAGAGAAGGTAGACTCAATCCAGTGCTGACTATTAAT-3'
Protein context (NP_054733.2, residues 977-997): GNFQVTELGR[Ile987Met]ASHYYITNDT

ClinVar aggregate classification (germline): Uncertain significance (1 of 4 stars; one submission).

Allele frequency attached by ClinVar (database versions not stated): gnomAD exomes below 0.00001.
gnomAD v4.1: 1 of 1,614,134 alleles (0.000062%); highest among the groups gnomAD compares: Non-Finnish European, 0.000085%; no homozygotes.

Submission:

Labcorp Genetics (formerly Invitae), Labcorp
Classification: Uncertain significance. Last evaluated: 2023-06-18. Review status: criteria provided, single submitter. Criteria: Invitae Variant Classification Sherloc (09022015). Collection method: clinical testing. Allele origin: germline.
Comment: This sequence change replaces isoleucine, which is neutral and non-polar, with methionine, which is neutral and non-polar, at codon 987 of the SNRNP200 protein (p.Ile987Met). This variant is not present in population databases (gnomAD no frequency). This variant has not been reported in the literature in individuals affected with SNRNP200-related conditions. Advanced modeling of protein sequence and biophysical properties (such as structural, functional, and spatial information, amino acid conservation, physicochemical variation, residue mobility, and thermodynamic stability) performed at Invitae indicates that this missense variant is expected to disrupt SNRNP200 protein function. In summary, the available evidence is currently insufficient to determine the role of this variant in disease. Therefore, it has been classified as a Variant of Uncertain Significance.